The following is an entry in ClinVar:

NM_181882.3(PRX):c.3366G>A (p.Gln1122=)

Gene: PRX (periaxin; minus strand). Cytogenetic location: 19q13.2.
Variant type: single nucleotide variant.
Coding change: c.3366G>A on transcript NM_181882.3 (MANE Select); coding-DNA position 3366, G replaced by A.
Protein change: p.Gln1122=; no amino-acid change (glutamine 1122 retained).
Molecular consequence: synonymous variant. On other transcripts: 3 prime UTR variant (1).
Genome position (GRCh38, 1-based): chr19:40,394,986, C>T on the plus strand (G>A on the coding strand, the complement: PRX is on the minus strand). VCF-style: chr19-40394986-C-T. GRCh37 (hg19) VCF-style: chr19-40900893-C-T.
Other names: c.*3571G>A (NM_020956.2).
Identifiers: ClinVar variation 389562 (VCV000389562.13), dbSNP rs952933935, ClinGen allele CA16609002.

ClinVar aggregate classification (germline): Likely benign. Review status: criteria provided, multiple submitters, no conflicts (2 of 4 stars). 3 submissions from 3 submitters: Likely benign (3). Last evaluated 2024-10-04.

Conditions:
Charcot-Marie-Tooth disease type 4. Also called: Charcot-Marie-Tooth disease, type IV; Charcot-Marie-Tooth, Type 4. Identifiers: Orphanet 64749, MedGen C4082197, MONDO:0018995.
Inborn genetic diseases. Identifiers: MedGen C0950123, MeSH D030342.

Allele frequency attached by ClinVar (database versions not stated): gnomAD exomes below 0.00001; gnomAD 0.00001; TOPMed 0.00001.

Submissions (3):

Labcorp Genetics (formerly Invitae), Labcorp
Classification: Likely benign for Charcot-Marie-Tooth disease type 4. Last evaluated: 2024-10-04. Review status: criteria provided, single submitter. Criteria: Invitae Variant Classification Sherloc (09022015). Collection method: clinical testing. Allele origin: germline.

Ambry Genetics
Classification: Likely benign for Inborn genetic diseases. Last evaluated: 2019-07-11. Review status: criteria provided, single submitter. Criteria: Ambry Variant Classification Scheme 2023. Collection method: clinical testing. Allele origin: germline.

GeneDx
Classification: Likely benign. Last evaluated: 2016-09-27. Review status: criteria provided, single submitter. Criteria: GeneDx Variant Classification (06012015). Collection method: clinical testing. Allele origin: germline. Affected: yes.
Comment: This variant is considered likely benign or benign based on one or more of the following criteria: it is a conservative change, it occurs at a poorly conserved position in the protein, it is predicted to be benign by multiple in silico algorithms, and/or has population frequency not consistent with disease.